The following is an entry in ClinVar:

ClinVar aggregate classification (germline): Uncertain significance (1 of 4 stars; one submission).

gnomAD v4.1: 6 of 1,613,896 alleles (0.00037%); highest among the groups gnomAD compares: Admixed American, 0.0083%; no homozygotes.

Submission:

Labcorp Genetics (formerly Invitae), Labcorp
Classification: Uncertain significance. Last evaluated: 2024-02-24. Review status: criteria provided, single submitter. Criteria: Invitae Variant Classification Sherloc (09022015). Collection method: clinical testing. Allele origin: germline.
Comment: This sequence change replaces leucine, which is neutral and non-polar, with glutamine, which is neutral and polar, at codon 17 of the IL18BP protein (p.Leu17Gln). This variant is present in population databases (no rsID available, gnomAD 0.003%). This variant has not been reported in the literature in individuals affected with IL18BP-related conditions. An algorithm developed to predict the effect of missense changes on protein structure and function (PolyPhen-2) suggests that this variant is likely to be disruptive. In summary, the available evidence is currently insufficient to determine the role of this variant in disease. Therefore, it has been classified as a Variant of Uncertain Significance.

NM_001039660.2(IL18BP):c.50T>A (p.Leu17Gln)

Gene: IL18BP (interleukin 18 binding protein; plus strand). Cytogenetic location: 11q13.4.
Variant type: single nucleotide variant.
Coding change: c.50T>A on transcript NM_001039660.2 (MANE Select); coding-DNA position 50, T replaced by A.
Protein change: p.Leu17Gln; replaces leucine 17 with glutamine.
Molecular consequence: missense variant.
Genome position (GRCh38, 1-based): chr11:72,000,372, T>A. VCF-style: chr11-72000372-T-A. GRCh37 (hg19) VCF-style: chr11-71711418-T-A.
Other names: c.50T>A, p.Leu17Gln (NM_001039659.2, NM_001145055.1, NM_001145057.1 and 3 more transcripts); short protein forms L17Q.
Identifiers: ClinVar variation 3654975 (VCV003654975.2).